The following is an entry in ClinVar:

ClinVar aggregate classification (germline): Uncertain significance. Review status: criteria provided, single submitter (1 of 4 stars). 2 submissions from 2 submitters: Uncertain significance (1). 1 of the submissions does not count toward it. Last evaluated 2025-08-03.

Conditions:
KSR2-related disorder. Also called: KSR2-related condition.

gnomAD v4.1: 2 of 1,614,004 alleles (0.00012%); highest among the groups gnomAD compares: Admixed American, 0.0017%; no homozygotes.

Submissions (2):

Labcorp Genetics (formerly Invitae), Labcorp
Classification: Uncertain significance. Last evaluated: 2025-08-03. Review status: criteria provided, single submitter. Criteria: Invitae Variant Classification Sherloc (09022015). Collection method: clinical testing. Allele origin: germline.
Comment: This sequence change replaces leucine, which is neutral and non-polar, with phenylalanine, which is neutral and non-polar, at codon 627 of the KSR2 protein (p.Leu627Phe). This variant is present in population databases (rs755992597, gnomAD 0.006%). This variant has not been reported in the literature in individuals affected with KSR2-related conditions. ClinVar contains an entry for this variant (Variation ID: 3355505). An algorithm developed to predict the effect of missense changes on protein structure and function (PolyPhen-2) suggests that this variant is likely to be disruptive. In summary, the available evidence is currently insufficient to determine the role of this variant in disease. Therefore, it has been classified as a Variant of Uncertain Significance.

PreventionGenetics, part of Exact Sciences
Classification: Uncertain significance for KSR2-related condition. Last evaluated: 2024-06-28. Review status: no assertion criteria provided. Collection method: clinical testing. Allele origin: germline. Not counted in ClinVar's aggregate classification.
Comment: The KSR2 c.1879C>T variant is predicted to result in the amino acid substitution p.Leu627Phe. To our knowledge, this variant has not been reported in the literature. This variant is reported in 0.0058% of alleles in individuals of Latino descent in gnomAD. At this time, the clinical significance of this variant is uncertain due to the absence of conclusive functional and genetic evidence.

NM_173598.6(KSR2):c.1966C>T (p.Leu656Phe)

Gene: KSR2 (kinase suppressor of ras 2; minus strand). Cytogenetic location: 12q24.22.
Variant type: single nucleotide variant.
Coding change: c.1966C>T on transcript NM_173598.6 (MANE Select); coding-DNA position 1966, C replaced by T.
Protein change: p.Leu656Phe; replaces leucine 656 with phenylalanine.
Molecular consequence: missense variant.
Genome position (GRCh38, 1-based): chr12:117,525,105, G>A on the plus strand (C>T on the coding strand, the complement: KSR2 is on the minus strand). VCF-style: chr12-117525105-G-A. GRCh37 (hg19) VCF-style: chr12-117962910-G-A.
Other names: short protein forms L656F.
Identifiers: ClinVar variation 3355505 (VCV003355505.2).